The following is an entry in ClinVar:

NM_001754.5(RUNX1):c.278A>G (p.Asp93Gly)

Gene: RUNX1 (RUNX family transcription factor 1; minus strand). Cytogenetic location: 21q22.12.
Variant type: single nucleotide variant.
Coding change: c.278A>G on transcript NM_001754.5 (MANE Select); coding-DNA position 278, A replaced by G.
Protein change: p.Asp93Gly; replaces aspartic acid 93 with glycine.
Molecular consequence: missense variant.
Genome position (GRCh38, 1-based): chr21:34,886,916, T>C on the plus strand (A>G on the coding strand, the complement: RUNX1 is on the minus strand). VCF-style: chr21-34886916-T-C. GRCh37 (hg19) VCF-style: chr21-36259213-T-C.
Other names: NM_001754.5(RUNX1):c.278A>G; p.Asp93Gly; c.197A>G, p.Asp66Gly (NM_001001890.3, NM_001122607.2); c.278A>G (NM_001754.4); short protein forms D93G, D66G.
Identifiers: ClinVar variation 1516563 (VCV001516563.8), dbSNP rs2146409620, ClinGen allele CA410203707.

ClinVar aggregate classification (germline): Uncertain significance. Review status: reviewed by expert panel (3 of 4 stars). 3 submissions from 3 submitters: Uncertain significance (1). 2 of the submissions do not count toward it. Last evaluated 2024-10-29.

Conditions:
Hereditary thrombocytopenia and hematologic cancer predisposition syndrome. Identifiers: Orphanet 71290, MedGen CN281654, MONDO:0011071.
Inborn genetic diseases. Identifiers: MedGen C0950123, MeSH D030342.
Hereditary thrombocytopenia and hematological cancer predisposition syndrome associated with RUNX1. Also called: RUNX1 Familial Platelet Disorder with Associated Myeloid Malignancies; Familial Platelet Disorder with Propensity to Acute Myelogenous Leukemia; Familial thrombocytopenia with propensity to acute myelogenous leukemia; PLATELET DISORDER, ASPIRIN-LIKE. Identifiers: Orphanet 71290, MedGen C1832388, MeSH C563324, MONDO:0100083, OMIM 601399.

Submissions (3):

ClinGen Myeloid Malignancy Variant Curation Expert Panel
Classification: Uncertain significance for Hereditary thrombocytopenia and hematologic cancer predisposition syndrome. Last evaluated: 2024-10-29. Review status: reviewed by expert panel. Criteria: ClinGen MyeloMalig ACMG Specifications v2. Collection method: curation. Allele origin: germline. Inheritance: Autosomal dominant inheritance.
Comment: NM_001754.5(RUNX1):c.278A>G (p.Asp93Gly)is a missense variant which has a REVEL score ≥ 0.88 (0.894) (PP3). This variant affects one of the residues within the Runt Homology Domain (AA 89-204) but not in an established hotspot residue (PM1_Supporting). This variant is completely absent from all population databases with at least 20x coverage for RUNX1 (PM2_Supporting). In summary, the clinical significance of this variant is uncertain. ACMG/AMP criteria applied, as specified by the Myeloid Malignancy Variant Curation Expert Panel for RUNX1: PP3, PM1_supporting, PM2_supporting.

Ambry Genetics
Classification: Uncertain significance for Inborn genetic diseases. Last evaluated: 2026-02-21. Review status: criteria provided, single submitter. Criteria: Ambry Variant Classification Scheme 2023. Collection method: clinical testing. Allele origin: germline. Not counted in ClinVar's aggregate classification.
Comment: The p.D93G variant (also known as c.278A>G), located in coding exon 3 of the RUNX1 gene, results from an A to G substitution at nucleotide position 278. The aspartic acid at codon 93 is replaced by glycine, an amino acid with similar properties. This amino acid position is conserved. In addition, this alteration is predicted to be deleterious by in silico analysis. Based on the available evidence, the clinical significance of this variant remains unclear.

Labcorp Genetics (formerly Invitae), Labcorp
Classification: Uncertain significance for Hereditary thrombocytopenia and hematological cancer predisposition syndrome associated with RUNX1. Last evaluated: 2021-10-26. Review status: criteria provided, single submitter. Criteria: Invitae Variant Classification Sherloc (09022015). Collection method: clinical testing. Allele origin: germline. Not counted in ClinVar's aggregate classification.
Comment: In summary, the available evidence is currently insufficient to determine the role of this variant in disease. Therefore, it has been classified as a Variant of Uncertain Significance. Algorithms developed to predict the effect of missense changes on protein structure and function are either unavailable or do not agree on the potential impact of this missense change (SIFT: "Tolerated"; PolyPhen-2: "Probably Damaging"; Align-GVGD: "Class C0"). This variant has not been reported in the literature in individuals affected with RUNX1-related conditions. This variant is not present in population databases (gnomAD no frequency). This sequence change replaces aspartic acid, which is acidic and polar, with glycine, which is neutral and non-polar, at codon 93 of the RUNX1 protein (p.Asp93Gly).